The following is an entry in ClinVar:

ClinVar aggregate classification (germline): Uncertain significance (1 of 4 stars; one submission).

Conditions:
Inborn genetic diseases. Identifiers: MedGen C0950123, MeSH D030342.

Submission:

Ambry Genetics
Classification: Uncertain significance for Inborn genetic diseases. Last evaluated: 2021-08-25. Review status: criteria provided, single submitter. Criteria: Ambry Variant Classification Scheme 2023. Collection method: clinical testing. Allele origin: germline.
Comment: The c.1331-6T>G intronic alteration consists of a T to G substitution 6 nucleotides before coding exon 6 in the CREBBP gene. Based on insufficient or conflicting evidence, the clinical significance of this alteration remains unclear.

NM_004380.3(CREBBP):c.1331-6T>G

Gene: CREBBP (CREB binding protein; minus strand). Cytogenetic location: 16p13.3.
Variant type: single nucleotide variant.
Coding change: c.1331-6T>G on transcript NM_004380.3 (MANE Select); 6 bases into the intron before coding-DNA position 1331, T replaced by G.
Molecular consequence: intron variant.
Genome position (GRCh38, 1-based): chr16:3,782,932, A>C on the plus strand (T>G on the coding strand, the complement: CREBBP is on the minus strand). VCF-style: chr16-3782932-A-C. GRCh37 (hg19) VCF-style: chr16-3832933-A-C.
Other names: c.1217-6T>G (NM_001079846.1).
Identifiers: ClinVar variation 2237380 (VCV002237380.2), dbSNP rs2548444456, ClinGen allele CA2580091131.